The following is an entry in ClinVar:

ClinVar aggregate classification (germline): Uncertain significance (1 of 4 stars; one submission).

Conditions:
Inborn genetic diseases. Identifiers: MedGen C0950123, MeSH D030342.

Submission:

Ambry Genetics
Classification: Uncertain significance for Inborn genetic diseases. Last evaluated: 2023-07-03. Review status: criteria provided, single submitter. Criteria: Ambry Variant Classification Scheme 2023. Collection method: clinical testing. Allele origin: germline.
Comment: The p.G320R variant (also known as c.958G>A), located in coding exon 4 of the PIK3CA gene, results from a G to A substitution at nucleotide position 958. The glycine at codon 320 is replaced by arginine, an amino acid with dissimilar properties. This amino acid position is conserved. In addition, the in silico prediction for this alteration is inconclusive. Since supporting evidence is limited at this time, the clinical significance of this alteration remains unclear.

NM_006218.4(PIK3CA):c.958G>A (p.Gly320Arg)

Gene: PIK3CA (phosphatidylinositol-4,5-bisphosphate 3-kinase catalytic subunit alpha; plus strand). Cytogenetic location: 3q26.32.
Variant type: single nucleotide variant.
Coding change: c.958G>A on transcript NM_006218.4 (MANE Select); coding-DNA position 958, G replaced by A.
Protein change: p.Gly320Arg; replaces glycine 320 with arginine.
Molecular consequence: missense variant.
Genome position (GRCh38, 1-based): chr3:179,203,688, G>A. VCF-style: chr3-179203688-G-A. GRCh37 (hg19) VCF-style: chr3-178921476-G-A.
Other names: short protein forms G320R.
Identifiers: ClinVar variation 2587508 (VCV002587508.2), dbSNP rs2473899919, ClinGen allele CA355280785.